The following is an entry in ClinVar:

NM_000455.5(STK11):c.831C>A (p.Asp277Glu)

Gene: STK11 (serine/threonine kinase 11; plus strand). Cytogenetic location: 19p13.3.
Variant type: single nucleotide variant.
Coding change: c.831C>A on transcript NM_000455.5 (MANE Select); coding-DNA position 831, C replaced by A.
Protein change: p.Asp277Glu; replaces aspartic acid 277 with glutamic acid.
Molecular consequence: missense variant.
Genome position (GRCh38, 1-based): chr19:1,221,309, C>A. VCF-style: chr19-1221309-C-A. GRCh37 (hg19) VCF-style: chr19-1221308-C-A.
Other names: short protein forms D277E.
Identifiers: ClinVar variation 527842 (VCV000527842.8), dbSNP rs1555738693, ClinGen allele CA402950666.

ClinVar aggregate classification (germline): Uncertain significance (1 of 4 stars; one submission).

Conditions:
Peutz-Jeghers syndrome (PJS). Also called: POLYPOSIS, HAMARTOMATOUS INTESTINAL; POLYPS-AND-SPOTS SYNDROME; Peutz-Jeghers polyposis; Periorificial lentiginosis syndrome. Identifiers: Orphanet 2869, MedGen C0031269, MeSH D010580, MONDO:0008280, OMIM 175200.

gnomAD v4.1: 1 of 1,610,540 alleles (0.000062%); highest among the groups gnomAD compares: Non-Finnish European, 0.000085%; no homozygotes.

Submission:

Labcorp Genetics (formerly Invitae), Labcorp
Classification: Uncertain significance for Peutz-Jeghers syndrome. Last evaluated: 2017-10-30. Review status: criteria provided, single submitter. Criteria: Invitae Variant Classification Sherloc (09022015). Collection method: clinical testing. Allele origin: germline.
Comment: In summary, the available evidence is currently insufficient to determine the role of this variant in disease. Therefore, it has been classified as a Variant of Uncertain Significance. This variant has not been reported in the literature in individuals with STK11-related disease. This variant is not present in population databases (ExAC no frequency). This sequence change replaces aspartic acid with glutamic acid at codon 277 of the STK11 protein (p.Asp277Glu). The aspartic acid residue is moderately conserved and there is a small physicochemical difference between aspartic acid and glutamic acid. Algorithms developed to predict the effect of missense changes on protein structure and function (SIFT, PolyPhen-2, Align-GVGD) all suggest that this variant is likely to be tolerated, but these predictions have not been confirmed by published functional studies and their clinical significance is uncertain.